The following is an entry in ClinVar:

ClinVar aggregate classification (germline): Uncertain significance (1 of 4 stars; one submission).

Allele frequency attached by ClinVar (database versions not stated): gnomAD exomes below 0.00001; TOPMed below 0.00001; gnomAD 0.00001.

Submission:

Women's Health and Genetics/Laboratory Corporation of America, LabCorp
Classification: Uncertain significance. Last evaluated: 2021-07-26. Review status: criteria provided, single submitter. Criteria: LabCorp Variant Classification Summary - May 2015. Collection method: clinical testing. Allele origin: germline.
Comment: Variant summary: CTSF c.1358G>A (p.Trp453X) results in a premature termination codon, predicted to cause a truncation of the encoded protein by removing the last 32 amino acids. The variant allele was found at a frequency of 4e-06 in 248586 control chromosomes. To our knowledge, no occurrence of c.1358G>A in individuals affected with Neuronal Ceroid-Lipofuscinosis (Batten Disease) and no experimental evidence demonstrating its impact on protein function have been reported. In addition, truncations downstream of this position have not been reported in any databases or publications. No clinical diagnostic laboratories have submitted clinical-significance assessments for this variant to ClinVar after 2014. However, another truncation variant (c.1350del/p.Asn451fs) has been reported in ClinVar with a classification of VUS. Based on the evidence outlined above, the variant was classified as VUS.

NM_003793.4(CTSF):c.1358G>A (p.Trp453Ter)

Gene: CTSF (cathepsin F; minus strand). Cytogenetic location: 11q13.2.
Variant type: single nucleotide variant.
Coding change: c.1358G>A on transcript NM_003793.4 (MANE Select); coding-DNA position 1358, G replaced by A.
Protein change: p.Trp453Ter; replaces tryptophan 453 with a stop codon.
Molecular consequence: nonsense.
Genome position (GRCh38, 1-based): chr11:66,564,110, C>T on the plus strand (G>A on the coding strand, the complement: CTSF is on the minus strand). VCF-style: chr11-66564110-C-T. GRCh37 (hg19) VCF-style: chr11-66331581-C-T.
Other names: short protein forms W453*.
Identifiers: ClinVar variation 1192267 (VCV001192267.1), dbSNP rs1188816866, ClinGen allele CA381455875.
Genomic context (GRCh38, chr11:66,564,110, plus strand): 5'-GCGGCTGGAGGGCCAGGGGCCAAGCCAGCAAGACTCACCTTCTCACCCCAGTCAGTGCCC[C>T]AGCTGTTCTTGATGGCCCAAAAGGGAACGTCAGAGCCTGGGGTGCAGTGCAGAGCGCAAG-3'